The following is an entry in ClinVar:

NM_016111.4(TELO2):c.1919C>T (p.Pro640Leu)

Gene: TELO2 (telomere maintenance 2; plus strand). Cytogenetic location: 16p13.3.
Variant type: single nucleotide variant.
Coding change: c.1919C>T on transcript NM_016111.4 (MANE Select); coding-DNA position 1919, C replaced by T.
Protein change: p.Pro640Leu; replaces proline 640 with leucine.
Molecular consequence: missense variant.
Genome position (GRCh38, 1-based): chr16:1,505,486, C>T. VCF-style: chr16-1505486-C-T. GRCh37 (hg19) VCF-style: chr16-1555487-C-T.
Other names: c.1919C>T, p.Pro640Leu (NM_001351846.2); short protein forms P640L.
Identifiers: ClinVar variation 1311211 (VCV001311211.2), dbSNP rs750629442, ClinGen allele CA7812394.

ClinVar aggregate classification (germline): Uncertain significance (1 of 4 stars; one submission).

Allele frequency attached by ClinVar (database versions not stated): gnomAD exomes below 0.00001 and 0.00002; TOPMed 0.00001; ExAC 0.00002.
gnomAD v4.1: 9 of 1,613,164 alleles (0.00056%); highest among the groups gnomAD compares: East Asian, 0.0089%; no homozygotes.

Submission:

GeneDx
Classification: Uncertain significance. Last evaluated: 2020-01-20. Review status: criteria provided, single submitter. Criteria: GeneDx Variant Classification Process June 2021. Collection method: clinical testing. Allele origin: germline. Affected: yes.
Comment: In silico analysis, which includes protein predictors and evolutionary conservation, supports a deleterious effect; Has not been previously published as pathogenic or benign to our knowledge